The following is an entry in ClinVar:

ClinVar aggregate classification (germline): Likely pathogenic (1 of 4 stars; one submission).

Conditions:
Hereditary breast ovarian cancer syndrome. Also called: Hereditary breast and ovarian cancer syndrome (HBOC); Hereditary breast and ovarian cancer; Hereditary breast and ovarian cancer syndrome; Breast and ovarian cancer; BRCA1- and BRCA2-Associated Hereditary Breast and Ovarian Cancer; Hereditary breast and/or ovarian cancer syndrome. Identifiers: Orphanet 145, MedGen C0677776, MeSH D061325, MONDO:0003582. Disease mechanism: loss of function.

Submission:

Centro de Estudios en Salud, Universidad de Narino
Classification: Likely pathogenic for Hereditary breast and ovarian cancer syndrome. Last evaluated: 2017-08-30. Review status: criteria provided, single submitter. Criteria: ACMG Guidelines, 2015. Collection method: clinical testing. Allele origin: unknown. Inheritance: Autosomal dominant inheritance.
Comment: Change from Glutamine (Gln) to Histidine (His)in codon 1408

NM_007294.4(BRCA1):c.4224G>C (p.Gln1408His)

Gene: BRCA1 (BRCA1 DNA repair associated; minus strand). Cytogenetic location: 17q21.31.
Variant type: single nucleotide variant.
Coding change: c.4224G>C on transcript NM_007294.4 (MANE Select); coding-DNA position 4224, G replaced by C.
Protein change: p.Gln1408His; replaces glutamine 1408 with histidine.
Molecular consequence: missense variant. On other transcripts: non-coding transcript variant (1).
Genome position (GRCh38, 1-based): chr17:43,082,537, C>G on the plus strand (G>C on the coding strand, the complement: BRCA1 is on the minus strand). VCF-style: chr17-43082537-C-G. GRCh37 (hg19) VCF-style: chr17-41234554-C-G.
Other names: c.4011G>C, p.Gln1337His (NM_001407910.1, NM_001407916.1, NM_001407917.1 and 12 more transcripts); c.4008G>C, p.Gln1336His (NM_001407915.1); c.4101G>C, p.Gln1367His (NM_001407919.1, NM_001407937.1, NM_001407938.1 and 13 more transcripts); c.3960G>C, p.Gln1320His (NM_001407920.1, NM_001407921.1, NM_001407922.1 and 7 more transcripts); c.3957G>C, p.Gln1319His (NM_001407930.1, NM_001407931.1, NM_001407932.1 and 3 more transcripts); c.3954G>C, p.Gln1318His (NM_001407934.1); c.4098G>C, p.Gln1366His (NM_001407940.1, NM_001407941.1, NM_001407649.1 and 12 more transcripts); c.4083G>C, p.Gln1361His (NM_001407942.1, NM_001407944.1, NM_001407945.1 and 23 more transcripts); and 51 more; short protein forms Q1408H, Q305H, Q1361H, Q1280H, Q1337H, Q1365H, Q1407H, Q177H.
Identifiers: ClinVar variation 694279 (VCV000694279.3), dbSNP rs1597848407, ClinGen allele CA10593275.
Genomic context (GRCh38, chr17:43,082,537, plus strand): 5'-GCTGTTAGAAGGCTGGCTCCCATGCTGTTCTAACACAGCTTCTAGTTCAGCCATTTCCTG[C>G]TGGAGCTTTATCAGGTTATGTTGCATGGTATCCCTCTGCTTCAAAAACGATAAATGGCAC-3'
Protein context (NP_009225.1, residues 1398-1418): DTMQHNLIKL[Gln1408His]QEMAELEAVL